The following is an entry in ClinVar:

NM_198576.4(AGRN):c.4839C>T (p.Cys1613=)

Gene: AGRN (agrin; plus strand). Cytogenetic location: 1p36.33.
Variant type: single nucleotide variant.
Coding change: c.4839C>T on transcript NM_198576.4 (MANE Select); coding-DNA position 4839, C replaced by T.
Protein change: p.Cys1613=; no amino-acid change (cysteine 1613 retained).
Molecular consequence: synonymous variant.
Genome position (GRCh38, 1-based): chr1:1,049,997, C>T. VCF-style: chr1-1049997-C-T. GRCh37 (hg19) VCF-style: chr1-985377-C-T.
Other names: c.4839C>T, p.Cys1613= (NM_001305275.2); c.4524C>T, p.Cys1508= (NM_001364727.2).
Identifiers: ClinVar variation 263189 (VCV000263189.57), dbSNP rs113020870, ClinGen allele CA509658.

ClinVar aggregate classification (germline): Benign/Likely benign. Review status: criteria provided, multiple submitters, no conflicts (2 of 4 stars). 6 submissions from 6 submitters: Benign (3); Likely benign (3). Last evaluated 2026-01-27.

Conditions:
Congenital myasthenic syndrome 8. Also called: MYASTHENIC SYNDROME, CONGENITAL, DUE TO AGRIN DEFICIENCY; Myasthenic syndrome, congenital, 8, with pre- and postsynaptic defects. Identifiers: Orphanet 590, MedGen C3808739, MONDO:0014052, OMIM 615120.

Allele frequency attached by ClinVar (database versions not stated): 1000 Genomes Project 0.00120; 1000 Genomes Project 30x 0.00156; ESP Exome Variant Server 0.00247; ExAC 0.00251; TOPMed 0.00258; gnomAD exomes 0.00273 and 0.00442; gnomAD 0.00298 and 0.00302.
gnomAD v4.1: 6,390 of 1,513,062 alleles (0.42%); highest among the groups gnomAD compares: Non-Finnish European, 0.51%; 21 homozygotes.

Submissions (21):

Labcorp Genetics (formerly Invitae), Labcorp
Classification: Benign for Congenital myasthenic syndrome 8. Last evaluated: 2026-01-27. Review status: criteria provided, single submitter. Criteria: Invitae Variant Classification Sherloc (09022015). Collection method: clinical testing. Allele origin: germline.

Athena Diagnostics
Classification: Benign. Last evaluated: 2025-02-18. Review status: criteria provided, single submitter. Criteria: Athena Diagnostics Criteria. Collection method: clinical testing. Allele origin: unknown.
Comment: The frequency of this variant in the general population is higher than would generally be expected for pathogenic variants in this gene.

Blueprint Genetics
Classification: Likely benign. Last evaluated: 2024-11-20. Review status: criteria provided, single submitter. Criteria: ACMG Guidelines, 2015. Collection method: clinical testing. Allele origin: germline.

CeGaT Center for Human Genetics Tuebingen
Classification: Likely benign. Last evaluated: 2024-04-01. Review status: criteria provided, single submitter. Criteria: CeGaT Center For Human Genetics Tuebingen Variant Classification Criteria Version 2. Collection method: clinical testing. Allele origin: germline. Affected: yes. Observed: 9 variant alleles.
Comment: AGRN: PP3, BS2

GeneDx
Classification: Benign. Last evaluated: 2020-10-09. Review status: criteria provided, single submitter. Criteria: GeneDx Variant Classification Process June 2021. Collection method: clinical testing. Allele origin: germline. Affected: yes.

PreventionGenetics, part of Exact Sciences
Classification: Likely benign. Review status: criteria provided, single submitter. Criteria: ACMG Guidelines, 2015. Collection method: clinical testing. Allele origin: germline.

Dr. Peter K. Rogan Lab, Western University
No classification provided (evidence only). Condition: Lung cancer. Review status: no classification provided. Collection method: in vitro. Allele origin: not applicable. Functional consequence: cryptic splice site. Not counted in ClinVar's aggregate classification.

Dr. Peter K. Rogan Lab, Western University
No classification provided (evidence only). Condition: Familial cancer of breast. Review status: no classification provided. Collection method: in vitro. Allele origin: not applicable. Functional consequence: cryptic splice site. Not counted in ClinVar's aggregate classification.

Dr. Peter K. Rogan Lab, Western University
No classification provided (evidence only). Condition: Colon adenocarcinoma. Review status: no classification provided. Collection method: in vitro. Allele origin: not applicable. Functional consequence: cryptic splice site. Not counted in ClinVar's aggregate classification.

Dr. Peter K. Rogan Lab, Western University
No classification provided (evidence only). Condition: Colorectal cancer. Review status: no classification provided. Collection method: in vitro. Allele origin: not applicable. Functional consequence: cryptic splice site. Not counted in ClinVar's aggregate classification.

Dr. Peter K. Rogan Lab, Western University
No classification provided (evidence only). Condition: Thyroid cancer, nonmedullary, 1. Review status: no classification provided. Collection method: in vitro. Allele origin: not applicable. Functional consequence: cryptic splice site. Not counted in ClinVar's aggregate classification.

Dr. Peter K. Rogan Lab, Western University
No classification provided (evidence only). Condition: Thyroid cancer, nonmedullary, 1. Review status: no classification provided. Collection method: in vitro. Allele origin: not applicable. Functional consequence: cryptic splice site, retained intron. Not counted in ClinVar's aggregate classification.

Dr. Peter K. Rogan Lab, Western University
No classification provided (evidence only). Condition: Hepatocellular carcinoma. Review status: no classification provided. Collection method: in vitro. Allele origin: not applicable. Functional consequence: retained intron. Not counted in ClinVar's aggregate classification.

Dr. Peter K. Rogan Lab, Western University
No classification provided (evidence only). Condition: Hepatocellular carcinoma. Review status: no classification provided. Collection method: in vitro. Allele origin: not applicable. Functional consequence: cryptic splice site, retained intron. Not counted in ClinVar's aggregate classification.

Dr. Peter K. Rogan Lab, Western University
No classification provided (evidence only). Condition: Thymoma. Review status: no classification provided. Collection method: in vitro. Allele origin: not applicable. Functional consequence: cryptic splice site. Not counted in ClinVar's aggregate classification.

Dr. Peter K. Rogan Lab, Western University
No classification provided (evidence only). Condition: Malignant tumor of esophagus. Review status: no classification provided. Collection method: in vitro. Allele origin: not applicable. Functional consequence: cryptic splice site. Not counted in ClinVar's aggregate classification.

Dr. Peter K. Rogan Lab, Western University
No classification provided (evidence only). Condition: Nonpapillary renal cell carcinoma. Review status: no classification provided. Collection method: in vitro. Allele origin: not applicable. Functional consequence: cryptic splice site. Not counted in ClinVar's aggregate classification.

Dr. Peter K. Rogan Lab, Western University
No classification provided (evidence only). Condition: Familial pancreatic carcinoma. Review status: no classification provided. Collection method: in vitro. Allele origin: not applicable. Functional consequence: cryptic splice site. Not counted in ClinVar's aggregate classification.

Dr. Peter K. Rogan Lab, Western University
No classification provided (evidence only). Condition: Lymphoma. Review status: no classification provided. Collection method: in vitro. Allele origin: not applicable. Functional consequence: cryptic splice site. Not counted in ClinVar's aggregate classification.

Dr. Peter K. Rogan Lab, Western University
No classification provided (evidence only). Condition: Malignant tumor of urinary bladder. Review status: no classification provided. Collection method: in vitro. Allele origin: not applicable. Functional consequence: cryptic splice site. Not counted in ClinVar's aggregate classification.

Dr. Peter K. Rogan Lab, Western University
No classification provided (evidence only). Condition: Clear cell carcinoma of kidney. Review status: no classification provided. Collection method: in vitro. Allele origin: not applicable. Functional consequence: cryptic splice site. Not counted in ClinVar's aggregate classification.